The following is an entry in ClinVar:

ClinVar aggregate classification (germline): Conflicting classifications of pathogenicity. Review status: criteria provided, conflicting classifications (1 of 4 stars). 2 submissions from 2 submitters: Uncertain significance (1); Likely benign (1). Last evaluated 2026-04-17.

Allele frequency attached by ClinVar (database versions not stated): 1000 Genomes Project 30x 0.00016; 1000 Genomes Project 0.00020; ExAC 0.00128; gnomAD 0.00168; ESP Exome Variant Server 0.00238.
gnomAD v4.1: 4,002 of 1,610,416 alleles (0.25%); highest among the groups gnomAD compares: Non-Finnish European, 0.31%; 9 homozygotes.

Submissions (2):

GeneDx
Classification: Uncertain significance. Last evaluated: 2026-04-17. Review status: criteria provided, single submitter. Criteria: GeneDx Variant Classification Process June 2021. Collection method: clinical testing. Allele origin: germline.
Comment: Identified by meta-analysis of GWAS data in association with atrial fibrillation; transcript analysis of c.1167+1G>A indicates that it results in skipping of exon 9 (PMID: 30271950); Canonical splice site variant in a gene for which loss of function is not an established mechanism of disease; This variant is associated with the following publications: (PMID: 32514796, Nannapaneni2022[article], 30271950, 36291431, 35323613, 34662886, 37308880, 38254943, 31345219, 39402625, 39803500, 41495453)

CeGaT Center for Human Genetics Tuebingen
Classification: Likely benign. Last evaluated: 2024-11-01. Review status: criteria provided, single submitter. Criteria: CeGaT Center For Human Genetics Tuebingen Variant Classification Criteria Version 2. Collection method: clinical testing. Allele origin: germline. Affected: yes. Observed: 1 variant allele.
Comment: RPL3L: BS2

NM_005061.3(RPL3L):c.1167+1G>A

Gene: RPL3L (ribosomal protein L3 like; minus strand). Cytogenetic location: 16p13.3.
Variant type: single nucleotide variant.
Coding change: c.1167+1G>A on transcript NM_005061.3 (MANE Select); the canonical splice donor site of the intron after coding-DNA position 1167, G replaced by A.
Molecular consequence: splice donor variant.
Genome position (GRCh38, 1-based): chr16:1,945,498, C>T on the plus strand (G>A on the coding strand, the complement: RPL3L is on the minus strand). VCF-style: chr16-1945498-C-T. GRCh37 (hg19) VCF-style: chr16-1995499-C-T.
Identifiers: ClinVar variation 2413034 (VCV002413034.20), dbSNP rs140192228, ClinGen allele CA7822555.